The following is an entry in ClinVar:

ClinVar aggregate classification (germline): Uncertain significance (1 of 4 stars; one submission).

Submission:

GeneDx
Classification: Uncertain significance. Last evaluated: 2025-08-22. Review status: criteria provided, single submitter. Criteria: GeneDx Variant Classification Process June 2021. Collection method: clinical testing. Allele origin: germline.
Comment: Not observed at significant frequency in large population cohorts (gnomAD); In silico analysis supports that this missense variant has a deleterious effect on protein structure/function; Has not been previously published as pathogenic or benign to our knowledge

NM_003542.4(H4C3):c.11G>T (p.Arg4Leu)

Gene: H4C3 (H4 clustered histone 3; plus strand). Cytogenetic location: 6p22.2.
Variant type: single nucleotide variant.
Coding change: c.11G>T on transcript NM_003542.4 (MANE Select); coding-DNA position 11, G replaced by T.
Protein change: p.Arg4Leu; replaces arginine 4 with leucine.
Molecular consequence: missense variant.
Genome position (GRCh38, 1-based): chr6:26,103,958, G>T. VCF-style: chr6-26103958-G-T. GRCh37 (hg19) VCF-style: chr6-26104186-G-T.
Other names: short protein forms R4L.
Identifiers: ClinVar variation 3764480 (VCV003764480.2).
Genomic context (GRCh38, chr6:26,103,958, plus strand): 5'-TTGTATTTAAGGAACTGTTTCAGTTCATACCTTCCACTGCGATAGGAATCATGTCTGGTC[G>T]CGGCAAAGGCGGAAAAGGCTTGGGGAAGGGTGGTGCTAAGCGCCATCGTAAGGTGCTCCG-3'
Protein context (NP_003533.1, residues 1-14): MSG[Arg4Leu]GKGGKGLGKG